The following is an entry in ClinVar:

ClinVar aggregate classification (germline): Uncertain significance (1 of 4 stars; one submission).

gnomAD v4.1: 3 of 1,613,294 alleles (0.00019%); highest among the groups gnomAD compares: South Asian, 0.0022%; no homozygotes.

Submission:

Labcorp Genetics (formerly Invitae), Labcorp
Classification: Uncertain significance. Last evaluated: 2025-10-02. Review status: criteria provided, single submitter. Criteria: Invitae Variant Classification Sherloc (09022015). Collection method: clinical testing. Allele origin: germline.
Comment: This sequence change replaces valine, which is neutral and non-polar, with glycine, which is neutral and non-polar, at codon 4528 of the HMCN1 protein (p.Val4528Gly). This variant is not present in population databases (gnomAD no frequency). This variant has not been reported in the literature in individuals affected with HMCN1-related conditions. An algorithm developed to predict the effect of missense changes on protein structure and function (PolyPhen-2) suggests that this variant is likely to be tolerated. In summary, the available evidence is currently insufficient to determine the role of this variant in disease. Therefore, it has been classified as a Variant of Uncertain Significance.

NM_031935.3(HMCN1):c.13583T>G (p.Val4528Gly)

Gene: HMCN1 (hemicentin 1; plus strand). Cytogenetic location: 1q31.1.
Variant type: single nucleotide variant.
Coding change: c.13583T>G on transcript NM_031935.3 (MANE Select); coding-DNA position 13583, T replaced by G.
Protein change: p.Val4528Gly; replaces valine 4528 with glycine.
Molecular consequence: missense variant.
Genome position (GRCh38, 1-based): chr1:186,137,498, T>G. VCF-style: chr1-186137498-T-G. GRCh37 (hg19) VCF-style: chr1-186106630-T-G.
Other names: short protein forms V4528G.
Identifiers: ClinVar variation 4810715 (VCV004810715.1).